The following is an entry in ClinVar:

NM_014141.6(CNTNAP2):c.1774A>G (p.Asn592Asp)

Gene: CNTNAP2 (contactin associated protein 2; plus strand). Cytogenetic location: 7q35.
Variant type: single nucleotide variant.
Coding change: c.1774A>G on transcript NM_014141.6 (MANE Select); coding-DNA position 1774, A replaced by G.
Protein change: p.Asn592Asp; replaces asparagine 592 with aspartic acid.
Molecular consequence: missense variant.
Genome position (GRCh38, 1-based): chr7:147,486,038, A>G. VCF-style: chr7-147486038-A-G. GRCh37 (hg19) VCF-style: chr7-147183130-A-G.
Other names: short protein forms N592D.
Identifiers: ClinVar variation 4874501 (VCV004874501.2).
Genomic context (GRCh38, chr7:147,486,038, plus strand): 5'-ACATGGGACAGCTTCAAATGCACTTGTGATGAGACAGGATACAGTGGGGCCACCTGCCAC[A>G]ACTGTGAGTGCCAATTTATCTCACTTTAATCTTGTAATTGCATGAGAATCTCAAGTCTTG-3'
Protein context (NP_054860.1, residues 582-602): ETGYSGATCH[Asn592Asp]SIYEPSCEAY

ClinVar aggregate classification (germline): Uncertain significance (1 of 4 stars; one submission).

gnomAD v4.1: 1 of 1,612,958 alleles (0.000062%); highest among the groups gnomAD compares: Non-Finnish European, 0.000085%; no homozygotes.

Submission:

CeGaT Center for Human Genetics Tuebingen
Classification: Uncertain significance. Last evaluated: 2026-04-01. Review status: criteria provided, single submitter. Criteria: CeGaT Center For Human Genetics Tuebingen Variant Classification Criteria Version 2. Collection method: clinical testing. Allele origin: germline. Affected: yes. Observed: 1 variant allele.
Comment: CNTNAP2: PM2